The following is an entry in ClinVar:

NM_001130987.2(DYSF):c.6139G>T (p.Glu2047Ter)

Gene: DYSF (dysferlin; plus strand). Cytogenetic location: 2p13.2.
Variant type: single nucleotide variant.
Coding change: c.6139G>T on transcript NM_001130987.2 (MANE Select); coding-DNA position 6139, G replaced by T.
Protein change: p.Glu2047Ter; replaces glutamic acid 2047 with a stop codon.
Molecular consequence: nonsense.
Genome position (GRCh38, 1-based): chr2:71,681,076, G>T. VCF-style: chr2-71681076-G-T. GRCh37 (hg19) VCF-style: chr2-71908206-G-T.
Other names: c.6025G>T, p.Glu2009Ter (NM_001130455.2); c.5980G>T, p.Glu1994Ter (NM_001130976.2); c.6043G>T, p.Glu2015Ter (NM_001130977.2); c.6085G>T, p.Glu2029Ter (NM_001130978.2); c.6115G>T, p.Glu2039Ter (NM_001130979.2); c.6073G>T, p.Glu2025Ter (NM_001130980.2); c.6136G>T, p.Glu2046Ter (NM_001130981.2); c.6118G>T, p.Glu2040Ter (NM_001130982.2); and 5 more; short protein forms E2008*, E2047*, E1995*, E2009*, E2016*, E2025*, E2029*, E2039*.
Identifiers: ClinVar variation 501041 (VCV000501041.7), dbSNP rs886043489, ClinGen allele CA347226846.

ClinVar aggregate classification (germline): Pathogenic. Review status: criteria provided, multiple submitters, no conflicts (2 of 4 stars). 2 submissions from 2 submitters: Pathogenic (2). Last evaluated 2024-03-13.

Conditions:
Neuromuscular disease caused by qualitative or quantitative defects of dysferlin. Also called: Dysferlinopathy; Qualitative or quantitative defects of dysferlin. Identifiers: Orphanet 207073, MedGen C2931687, MONDO:0016145.

Submissions (2):

Labcorp Genetics (formerly Invitae), Labcorp
Classification: Pathogenic for Neuromuscular disease caused by qualitative or quantitative defects of dysferlin. Last evaluated: 2024-03-13. Review status: criteria provided, single submitter. Criteria: Invitae Variant Classification Sherloc (09022015). Collection method: clinical testing. Allele origin: germline.
Comment: This sequence change creates a premature translational stop signal (p.Glu2008*) in the DYSF gene. It is expected to result in an absent or disrupted protein product. Loss-of-function variants in DYSF are known to be pathogenic (PMID: 17698709, 20301480). This variant is not present in population databases (gnomAD no frequency). This variant has not been reported in the literature in individuals affected with DYSF-related conditions. ClinVar contains an entry for this variant (Variation ID: 501041). For these reasons, this variant has been classified as Pathogenic.

Eurofins Ntd Llc (ga)
Classification: Pathogenic. Last evaluated: 2017-03-28. Review status: criteria provided, single submitter. Criteria: EGL Classification Definitions 2015. Collection method: clinical testing. Allele origin: germline. Observed: 1 variant allele, 1 heterozygote.

Literature cited by the submitters: PubMed 17698709 (cited by Labcorp Genetics (formerly Invitae), Labcorp); PubMed 20301480 (cited by Labcorp Genetics (formerly Invitae), Labcorp).